The following is an entry in ClinVar:

ClinVar aggregate classification (germline): Uncertain significance (1 of 4 stars; one submission).

Conditions:
Familial cancer of breast. Also called: BREAST CANCER, FAMILIAL; hereditary breast carcinoma; Hereditary breast cancer. Identifiers: Orphanet 227535, MedGen C0346153, MONDO:0016419, OMIM 114480. Disease mechanism: loss of function.

Submission:

Labcorp Genetics (formerly Invitae), Labcorp
Classification: Uncertain significance for Familial cancer of breast. Last evaluated: 2023-03-26. Review status: criteria provided, single submitter. Criteria: Invitae Variant Classification Sherloc (09022015). Collection method: clinical testing. Allele origin: germline.
Comment: In summary, the available evidence is currently insufficient to determine the role of this variant in disease. Therefore, it has been classified as a Variant of Uncertain Significance. Advanced modeling of protein sequence and biophysical properties (such as structural, functional, and spatial information, amino acid conservation, physicochemical variation, residue mobility, and thermodynamic stability) performed at Invitae indicates that this missense variant is not expected to disrupt PALB2 protein function. This variant has not been reported in the literature in individuals affected with PALB2-related conditions. This variant is not present in population databases (gnomAD no frequency). This sequence change replaces histidine, which is basic and polar, with glutamine, which is neutral and polar, at codon 786 of the PALB2 protein (p.His786Gln).

NM_024675.4(PALB2):c.2358T>A (p.His786Gln)

Gene: PALB2 (partner and localizer of BRCA2; minus strand). Cytogenetic location: 16p12.2.
Variant type: single nucleotide variant.
Coding change: c.2358T>A on transcript NM_024675.4 (MANE Select); coding-DNA position 2358, T replaced by A.
Protein change: p.His786Gln; replaces histidine 786 with glutamine.
Molecular consequence: missense variant. On other transcripts: intron variant (1).
Genome position (GRCh38, 1-based): chr16:23,629,796, A>T on the plus strand (T>A on the coding strand, the complement: PALB2 is on the minus strand). VCF-style: chr16-23629796-A-T. GRCh37 (hg19) VCF-style: chr16-23641117-A-T.
Other names: c.2298T>A, p.His766Gln (NM_001407296.1); c.2358T>A, p.His786Gln (NM_001407297.1, NM_001407298.1, NM_001407299.1 and 3 more transcripts); c.1473T>A, p.His491Gln (NM_001407304.1, NM_001407305.1, NM_001407306.1 and 5 more transcripts); c.570T>A, p.His190Gln (NM_001407312.1, NM_001407313.1); c.49-521T>A (NM_001407314.1); short protein forms H766Q, H786Q, H190Q, H491Q.
Identifiers: ClinVar variation 2849485 (VCV002849485.3), dbSNP rs912615354, ClinGen allele CA395124794.